The following is an entry in ClinVar:

NM_001267550.2(TTN):c.101213G>A (p.Arg33738His)

Genes: TTN (titin; minus strand), TTN-AS1 (TTN antisense RNA 1; plus strand). Cytogenetic location: 2q31.2.
Variant type: single nucleotide variant.
Coding change: c.101213G>A on transcript NM_001267550.2 (MANE Select); coding-DNA position 101213, G replaced by A.
Protein change: p.Arg33738His; replaces arginine 33738 with histidine.
Molecular consequence: missense variant.
Genome position (GRCh38, 1-based): chr2:178,535,402, C>T on the plus strand (G>A on the coding strand, the complement: TTN is on the minus strand). VCF-style: chr2-178535402-C-T. GRCh37 (hg19) VCF-style: chr2-179400129-C-T.
Other names: p.R32097H:CGT>CAT; c.96290G>A, p.Arg32097His (NM_001256850.1); c.74018G>A, p.Arg24673His (NM_003319.4); c.93509G>A, p.Arg31170His (NM_133378.4); c.74393G>A, p.Arg24798His (NM_133432.3); c.74594G>A, p.Arg24865His (NM_133437.4); short protein forms R32097H, R33738H, R24798H, R24673H, R24865H, R31170H.
Identifiers: ClinVar variation 203062 (VCV000203062.12), dbSNP rs192391568, ClinGen allele CA311124.

ClinVar aggregate classification (germline): Conflicting classifications of pathogenicity. Review status: criteria provided, conflicting classifications (1 of 4 stars). 6 submissions from 6 submitters: Uncertain significance (3); Benign (1); Likely benign (2). Last evaluated 2026-04-27.

Conditions:
TTN-related disorder. Also called: TTN-related condition; TTN-related disease; TTN-related disorders.
Dilated cardiomyopathy 1G (CMD1G). Identifiers: Orphanet 154, MedGen C1858763, MONDO:0011400, OMIM 604145.
Autosomal recessive limb-girdle muscular dystrophy type 2J (LGMDR10). Also called: Limb-girdle muscular dystrophy, type 2J; MUSCULAR DYSTROPHY, LIMB-GIRDLE, AUTOSOMAL RECESSIVE 10. Identifiers: Orphanet 140922, MedGen C1837342, MONDO:0012127, OMIM 608807.
Cardiovascular phenotype. Identifiers: MedGen CN230736.
Cardiomyopathy (CMYO). Also called: Cardiomyopathies. Identifiers: Orphanet 167848, MedGen C0878544, MONDO:0004994, HP:0001638. Inheritance: Various modes of inheritance.

Allele frequency attached by ClinVar (database versions not stated): gnomAD 0.00005 and 0.00007; gnomAD exomes 0.00005 and 0.00012; ExAC 0.00007; TOPMed 0.00009; 1000 Genomes Project 0.00040; 1000 Genomes Project 30x 0.00047.
gnomAD v4.1: 91 of 1,613,928 alleles (0.0056%); highest among the groups gnomAD compares: South Asian, 0.052%; no homozygotes.

Submissions (6):

PreventionGenetics, part of Exact Sciences
Classification: Uncertain significance for TTN-related condition. Last evaluated: 2026-04-27. Review status: criteria provided, single submitter. Criteria: ACMG Guidelines, 2015. Collection method: clinical testing. Allele origin: germline.
Comment: The TTN c.101213G>A variant is predicted to result in the amino acid substitution p.Arg33738His. To our knowledge, this variant has not been reported in the literature. This variant is reported in 0.056% of alleles in individuals of South Asian descent in gnomAD. Although we suspect that this variant may be benign, at this time, the clinical significance of this variant is uncertain due to the absence of conclusive functional and genetic evidence.

Women's Health and Genetics/Laboratory Corporation of America, LabCorp
Classification: Uncertain significance. Last evaluated: 2023-06-25. Review status: criteria provided, single submitter. Criteria: LabCorp Variant Classification Summary - May 2015. Collection method: clinical testing. Allele origin: germline.

CHEO Genetics Diagnostic Laboratory, Children's Hospital of Eastern Ontario
Classification: Benign for Cardiomyopathy. Last evaluated: 2023-06-19. Review status: criteria provided, single submitter. Criteria: ACMG Guidelines, 2015. Collection method: clinical testing. Allele origin: germline.

GeneDx
Classification: Likely benign. Last evaluated: 2020-11-11. Review status: criteria provided, single submitter. Criteria: GeneDx Variant Classification Process June 2021. Collection method: clinical testing. Allele origin: germline. Affected: yes.

Ambry Genetics
Classification: Likely benign for Cardiovascular phenotype. Last evaluated: 2020-08-18. Review status: criteria provided, single submitter. Criteria: Ambry Variant Classification Scheme 2023. Collection method: clinical testing. Allele origin: germline.

Labcorp Genetics (formerly Invitae), Labcorp
Classification: Uncertain significance for Dilated cardiomyopathy 1G; Autosomal recessive limb-girdle muscular dystrophy type 2J. Last evaluated: 2017-06-23. Review status: criteria provided, single submitter. Criteria: Invitae Variant Classification Sherloc (09022015). Collection method: clinical testing. Allele origin: germline.